The following is an entry in ClinVar:

ClinVar aggregate classification (germline): Benign/Likely benign. Review status: criteria provided, multiple submitters, no conflicts (2 of 4 stars). 7 submissions from 7 submitters: Benign (1); Likely benign (6). Last evaluated 2026-04-19.

Conditions:
Inborn genetic diseases. Identifiers: MedGen C0950123, MeSH D030342.
REEP1-related disorder. Also called: REEP1-related condition.
Hereditary spastic paraplegia 31. Also called: SPASTIC PARAPLEGIA 31, AUTOSOMAL DOMINANT. Identifiers: Orphanet 101011, MedGen C1853247, MONDO:0012453, OMIM 610250.

Allele frequency attached by ClinVar (database versions not stated): gnomAD exomes 0.00002 and 0.00003; ExAC 0.00004; gnomAD 0.00006 and 0.00007; TOPMed 0.00012; ESP Exome Variant Server 0.00015; 1000 Genomes Project 30x 0.00016; 1000 Genomes Project 0.00020.
gnomAD v4.1: 40 of 1,614,110 alleles (0.0025%); highest among the groups gnomAD compares: African/African-American, 0.021%; no homozygotes.

Submissions (7):

PreventionGenetics, part of Exact Sciences
Classification: Likely benign for REEP1-related condition. Last evaluated: 2026-04-19. Review status: criteria provided, single submitter. Criteria: ACMG Guidelines, 2015. Collection method: clinical testing. Allele origin: germline.
Comment: This variant is classified as likely benign based on ACMG/AMP sequence variant interpretation guidelines (Richards et al. 2015 PMID: 25741868, with internal and published modifications).

Labcorp Genetics (formerly Invitae), Labcorp
Classification: Likely benign for Hereditary spastic paraplegia 31. Last evaluated: 2025-12-23. Review status: criteria provided, single submitter. Criteria: Invitae Variant Classification Sherloc (09022015). Collection method: clinical testing. Allele origin: germline.

CeGaT Center for Human Genetics Tuebingen
Classification: Likely benign. Last evaluated: 2025-08-01. Review status: criteria provided, single submitter. Criteria: CeGaT Center For Human Genetics Tuebingen Variant Classification Criteria Version 2. Collection method: clinical testing. Allele origin: germline. Affected: yes. Observed: 1 variant allele.
Comment: REEP1: BP4, BP7

Athena Diagnostics
Classification: Benign. Last evaluated: 2025-01-02. Review status: criteria provided, single submitter. Criteria: Athena Diagnostics Criteria. Collection method: clinical testing. Allele origin: unknown.
Comment: The frequency of this variant in the general population is higher than would generally be expected for pathogenic variants in this gene. Computational tools yielded predictions that this variant is unlikely to have an effect on normal RNA splicing. This nucleotide position exhibits low evolutionary conservation.

Blueprint Genetics
Classification: Likely benign. Last evaluated: 2022-08-17. Review status: criteria provided, single submitter. Criteria: ACMG Guidelines, 2015. Collection method: clinical testing. Allele origin: germline.

Ambry Genetics
Classification: Likely benign for Inborn genetic diseases. Last evaluated: 2019-07-11. Review status: criteria provided, single submitter. Criteria: Ambry Variant Classification Scheme 2023. Collection method: clinical testing. Allele origin: germline.

GeneDx
Classification: Likely benign. Last evaluated: 2017-03-22. Review status: criteria provided, single submitter. Criteria: GeneDx Variant Classification (06012015). Collection method: clinical testing. Allele origin: germline. Affected: yes.
Comment: This variant is considered likely benign or benign based on one or more of the following criteria: it is a conservative change, it occurs at a poorly conserved position in the protein, it is predicted to be benign by multiple in silico algorithms, and/or has population frequency not consistent with disease.

NM_001371279.1(REEP1):c.363C>T (p.Phe121=)

Gene: REEP1 (receptor accessory protein 1; minus strand). Cytogenetic location: 2p11.2.
Variant type: single nucleotide variant.
Coding change: c.363C>T on transcript NM_001371279.1 (MANE Select); coding-DNA position 363, C replaced by T.
Protein change: p.Phe121=; no amino-acid change (phenylalanine 121 retained).
Molecular consequence: synonymous variant. On other transcripts: intron variant (1).
Genome position (GRCh38, 1-based): chr2:86,252,011, G>A on the plus strand (C>T on the coding strand, the complement: REEP1 is on the minus strand). VCF-style: chr2-86252011-G-A. GRCh37 (hg19) VCF-style: chr2-86479134-G-A.
Other names: c.384C>T, p.Phe128= (NM_001164730.2); c.282C>T, p.Phe94= (NM_001164731.2); c.363C>T, p.Phe121= (NM_001371280.1, NM_022912.3); c.182+11954C>T (NM_001164732.2).
Identifiers: ClinVar variation 508132 (VCV000508132.22), dbSNP rs369674332, ClinGen allele CA1748765.
Genomic context (GRCh38, chr2:86,252,011, plus strand): 5'-CAGTACCTTGGAAGCAGCCATCACAGCCGCTGTGGCGGCCACGTTCAAGCCCCGCTTCCC[G>A]AAGTGCACAAGGGCATCGTAACTTCGGTCTTTTGCTTGGACCAGACAATCATCGATTTCC-3'
Protein context (NP_001358208.1, residues 111-131): KDRSYDALVH[Phe121=]GKRGLNVAAT